The following is an entry in ClinVar:

NC_000010.11:g.(?_86838866)_(86843510_?)del

Gene: BMPR1A (bone morphogenetic protein receptor type 1A; plus strand). Cytogenetic location: 10q23.2.
Variant type: Deletion.
Identifiers: ClinVar variation 584087 (VCV000584087.4).

ClinVar aggregate classification (germline): Conflicting classifications of pathogenicity. Review status: criteria provided, conflicting classifications (1 of 4 stars). 2 submissions from 1 submitter: Likely pathogenic (1); Uncertain significance (1). Last evaluated 2021-10-13.

Conditions:
Juvenile polyposis syndrome (JPS). Identifiers: Orphanet 2929, MedGen C0345893, MONDO:0017380, OMIM 174900.
Generalized juvenile polyposis/juvenile polyposis coli. Also called: Juvenile polyposis coli. Identifiers: Orphanet 329971, MedGen C1868081, MONDO:0008276.

Submissions (2):

Labcorp Genetics (formerly Invitae), Labcorp
Classification: Uncertain significance for Juvenile polyposis syndrome. Last evaluated: 2021-10-13. Review status: criteria provided, single submitter. Criteria: Invitae Variant Classification Sherloc (09022015). Collection method: clinical testing. Allele origin: germline.
Comment: This variant occurs in a non-coding region of the BMPR1A gene. It does not change the encoded amino acid sequence of the BMPR1A protein. This variant is not present in population databases (ExAC no frequency). This variant has not been reported in the literature in individuals affected with BMPR1A-related conditions. Experimental studies and prediction algorithms are not available or were not evaluated, and the functional significance of this variant is currently unknown. In summary, the available evidence is currently insufficient to determine the role of this variant in disease. Therefore, it has been classified as a Variant of Uncertain Significance.

Labcorp Genetics (formerly Invitae), Labcorp
Classification: Likely pathogenic for Juvenile polyposis syndrome. Last evaluated: 2018-09-11. Review status: criteria provided, single submitter. Criteria: Invitae Variant Classification Sherloc (09022015). Collection method: clinical testing. Allele origin: germline.
Comment: This variant is a gross deletion of the genomic region encompassing the promoter of the BMPR1A gene. The 5' end of this event is unknown as it extends beyond the assayed region for this gene, and therefore may encompass additional genes. The 3' boundary is likely confined to the region between non-coding exon 1 and non-coding exon 2. A genomic deletion involving the promoter (non-coding exon 1) region has been reported to segregate with BMPR1A-related disease in a single family (PMID: 20843829). A similar deletion involving the promoter region has also been reported an individual with congenital heart defect who was pending for juvenile polyposis (JP) screening (PMID: 22067610). Experimental studies have shown that deletion of this promoter region impairs the transcription of a reporter gene in vitro, and protein samples derived from individuals carrying this variant showed reduced BMPR1A protein levels compared to a control sample (PMID: 20843829). In summary, the currently available evidence indicates that the variant is pathogenic, but additional data are needed to prove that conclusively. Therefore, this variant has been classified as Likely Pathogenic.

Literature cited by the submitters: PubMed 22067610; PubMed 20843829.